The following is an entry in ClinVar:

NM_002471.4(MYH6):c.3118C>T (p.Leu1040=)

Gene: MYH6 (myosin heavy chain 6; minus strand). Cytogenetic location: 14q11.2.
Variant type: single nucleotide variant.
Coding change: c.3118C>T on transcript NM_002471.4 (MANE Select); coding-DNA position 3118, C replaced by T.
Protein change: p.Leu1040=; no amino-acid change (leucine 1040 retained).
Molecular consequence: synonymous variant.
Genome position (GRCh38, 1-based): chr14:23,393,045, G>A on the plus strand (C>T on the coding strand, the complement: MYH6 is on the minus strand). VCF-style: chr14-23393045-G-A. GRCh37 (hg19) VCF-style: chr14-23862254-G-A.
Identifiers: ClinVar variation 44476 (VCV000044476.34), dbSNP rs368497504, ClinGen allele CA134308.
Genomic context (GRCh38, chr14:23,393,045, plus strand): 5'-CGCCCTCCAGTTTCCGCTTTGCTCGCTCCAGGTCCATGCGCACCTTCTTCTCTTGCTCTA[G>A]GGATCCCTCCAGCTGTTGGAGGGAAGAAAATAAGCAAAGTGTGGAAAACATGAAATCCAT-3'
Protein context (NP_002462.2, residues 1030-1050): EQQVDDLEGS[Leu1040=]EQEKKVRMDL

ClinVar aggregate classification (germline): Likely benign. Review status: criteria provided, multiple submitters, no conflicts (2 of 4 stars). 10 submissions from 10 submitters: Likely benign (5). 5 of the submissions do not count toward it. Last evaluated 2025-09-20.

Conditions:
Hypertrophic cardiomyopathy 1 (CMH1). Also called: Familial hypertrophic cardiomyopathy 1; MYH7-Related Familial Hypertrophic Cardiomyopathy. Identifiers: MedGen C3495498, MONDO:0008647, OMIM 192600.
Hypertrophic cardiomyopathy 14. Identifiers: MedGen C2750467, MONDO:0013197, OMIM 613251.
Dilated cardiomyopathy 1EE (CMD1EE). Identifiers: Orphanet 154, MedGen C2750466, MONDO:0013198, OMIM 613252.
Sick sinus syndrome 3, susceptibility to (SSS3). Identifiers: Orphanet 166282, MedGen C3279791, MONDO:0013568, OMIM 614090.
Atrial septal defect 3 (ASD3). Identifiers: Orphanet 1478, MedGen C3279790, MONDO:0013567, OMIM 614089.
Cardiovascular phenotype. Identifiers: MedGen CN230736.

Allele frequency attached by ClinVar (database versions not stated): gnomAD 0.00009 and 0.00007; gnomAD exomes 0.00012 and 0.00008; ESP Exome Variant Server 0.00015; ExAC 0.00005; TOPMed 0.00005.
gnomAD v4.1: 177 of 1,614,064 alleles (0.011%); highest among the groups gnomAD compares: Non-Finnish European, 0.012%; no homozygotes.

Submissions (10):

Labcorp Genetics (formerly Invitae), Labcorp
Classification: Likely benign for Hypertrophic cardiomyopathy 14. Last evaluated: 2025-09-20. Review status: criteria provided, single submitter. Criteria: Invitae Variant Classification Sherloc (09022015). Collection method: clinical testing. Allele origin: germline.

Ambry Genetics
Classification: Likely benign for Cardiovascular phenotype. Last evaluated: 2022-07-23. Review status: criteria provided, single submitter. Criteria: Ambry Variant Classification Scheme 2023. Collection method: clinical testing. Allele origin: germline.

Fulgent Genetics
Classification: Likely benign for Hypertrophic cardiomyopathy 1; Hypertrophic cardiomyopathy 14; Dilated cardiomyopathy 1EE; Atrial septal defect 3; Sick sinus syndrome 3, susceptibility to. Last evaluated: 2021-07-26. Review status: criteria provided, single submitter. Criteria: ACMG Guidelines, 2015. Collection method: clinical testing. Allele origin: unknown.

GeneDx
Classification: Likely benign. Last evaluated: 2017-03-24. Review status: criteria provided, single submitter. Criteria: GeneDx Variant Classification (06012015). Collection method: clinical testing. Allele origin: germline. Affected: yes.
Comment: This variant is considered likely benign or benign based on one or more of the following criteria: it is a conservative change, it occurs at a poorly conserved position in the protein, it is predicted to be benign by multiple in silico algorithms, and/or has population frequency not consistent with disease.

Laboratory for Molecular Medicine, Mass General Brigham Personalized Medicine
Classification: Likely benign. Last evaluated: 2012-04-10. Review status: criteria provided, single submitter. Criteria: LMM Criteria. Collection method: clinical testing. Allele origin: germline. Observed: 1 variant allele.
Comment: Leu1040Leu in exon 24 of MYH6: This variant is not expected to have clinical sig nificance because it does not alter an amino acid residue and is not located wit hin the splice consensus sequence. It has been identified in 1/7020 European Ame rican chromosomes from a broad population by the NHLBI Exome Sequencing Project Leu1040Leu in exon 24 of MYH6: (allele freq uency = 1/7020)**

Clinical Genetics DNA and cytogenetics Diagnostics Lab, Erasmus MC, Erasmus Medical Center
Classification: Likely benign. Review status: no assertion criteria provided. Collection method: clinical testing. Allele origin: germline. Affected: yes. Study: VKGL Data-share Consensus. Not counted in ClinVar's aggregate classification.

Clinical Genetics, Academic Medical Center
Classification: Benign. Review status: no assertion criteria provided. Collection method: clinical testing. Allele origin: germline. Affected: yes. Study: VKGL Data-share Consensus. Not counted in ClinVar's aggregate classification.

Diagnostic Laboratory, Department of Genetics, University Medical Center Groningen
Classification: Likely benign. Review status: no assertion criteria provided. Collection method: clinical testing. Allele origin: germline. Affected: yes. Study: VKGL Data-share Consensus. Not counted in ClinVar's aggregate classification.

Genome Diagnostics Laboratory, University Medical Center Utrecht
Classification: Likely benign. Review status: no assertion criteria provided. Collection method: clinical testing. Allele origin: germline. Affected: yes. Study: VKGL Data-share Consensus. Not counted in ClinVar's aggregate classification.

Joint Genome Diagnostic Labs from Nijmegen and Maastricht, Radboudumc and MUMC+
Classification: Likely benign. Review status: no assertion criteria provided. Collection method: clinical testing. Allele origin: germline. Affected: yes. Study: VKGL Data-share Consensus. Not counted in ClinVar's aggregate classification.